The following is an entry in ClinVar:

NM_001211.6(BUB1B):c.2912T>C (p.Val971Ala)

Genes: BUB1B (BUB1 mitotic checkpoint serine/threonine kinase B; plus strand), BUB1B-PAK6 (BUB1B-PAK6 readthrough; plus strand). Cytogenetic location: 15q15.1.
Variant type: single nucleotide variant.
Coding change: c.2912T>C on transcript NM_001211.6 (MANE Select); coding-DNA position 2912, T replaced by C.
Protein change: p.Val971Ala; replaces valine 971 with alanine.
Molecular consequence: missense variant. On other transcripts: intron variant (2).
Genome position (GRCh38, 1-based): chr15:40,218,517, T>C. VCF-style: chr15-40218517-T-C. GRCh37 (hg19) VCF-style: chr15-40510718-T-C.
Other names: c.-201+850T>C (NM_001128628.3); c.-118+850T>C (NM_001128629.3); short protein forms V971A.
Identifiers: ClinVar variation 2565439 (VCV002565439.2), dbSNP rs2542587743, ClinGen allele CA391688311.

ClinVar aggregate classification (germline): Uncertain significance (1 of 4 stars; one submission).

Conditions:
Inborn genetic diseases. Identifiers: MedGen C0950123, MeSH D030342.

Submission:

Ambry Genetics
Classification: Uncertain significance for Inborn genetic diseases. Last evaluated: 2023-03-29. Review status: criteria provided, single submitter. Criteria: Ambry Variant Classification Scheme 2023. Collection method: clinical testing. Allele origin: germline.
Comment: The p.V971A variant (also known as c.2912T>C), located in coding exon 22 of the BUB1B gene, results from a T to C substitution at nucleotide position 2912. The valine at codon 971 is replaced by alanine, an amino acid with similar properties. This amino acid position is conserved. In addition, this alteration is predicted to be tolerated by in silico analysis. Since supporting evidence is limited at this time, the clinical significance of this alteration remains unclear.